The following is an entry in ClinVar:

ClinVar aggregate classification (germline): Uncertain significance (1 of 4 stars; one submission).

Conditions:
Hereditary cancer-predisposing syndrome. Also called: Neoplastic Syndromes, Hereditary; Tumor predisposition; Hereditary Cancer Syndrome; Hereditary neoplastic syndrome. Identifiers: Orphanet 140162, MedGen C0027672, MeSH D009386, MONDO:0015356.

Submission:

Ambry Genetics
Classification: Uncertain significance for Hereditary cancer-predisposing syndrome. Last evaluated: 2021-01-06. Review status: criteria provided, single submitter. Criteria: Ambry Variant Classification Scheme 2023. Collection method: clinical testing. Allele origin: germline.
Comment: The p.I352N variant (also known as c.1055T>A), located in coding exon 7 of the ATM gene, results from a T to A substitution at nucleotide position 1055. The isoleucine at codon 352 is replaced by asparagine, an amino acid with dissimilar properties. This amino acid position is not well conserved in available vertebrate species. In addition, the in silico prediction for this alteration is inconclusive. Since supporting evidence is limited at this time, the clinical significance of this alteration remains unclear.

NM_000051.4(ATM):c.1055T>A (p.Ile352Asn)

Gene: ATM (ATM serine/threonine kinase; plus strand). Cytogenetic location: 11q22.3.
Variant type: single nucleotide variant.
Coding change: c.1055T>A on transcript NM_000051.4 (MANE Select); coding-DNA position 1055, T replaced by A.
Protein change: p.Ile352Asn; replaces isoleucine 352 with asparagine.
Molecular consequence: missense variant.
Genome position (GRCh38, 1-based): chr11:108,247,117, T>A. VCF-style: chr11-108247117-T-A. GRCh37 (hg19) VCF-style: chr11-108117844-T-A.
Other names: c.1055T>A, p.Ile352Asn (NM_001351834.2); short protein forms I352N.
Identifiers: ClinVar variation 1778431 (VCV001778431.2), dbSNP rs369203092, ClinGen allele CA382531802.
Genomic context (GRCh38, chr11:108,247,117, plus strand): 5'-ATTCTTCAGGATTTCGTAATATTGCCGTCAAAGAAAATTTGATTGAATTGATGGCAGATA[T>A]CTGTCACCAGGTACAGTAAGTAGGTCATGTCACATTTAGAAATTTCCTGTTAATTTTTTT-3'
Protein context (NP_000042.3, residues 342-362): KENLIELMAD[Ile352Asn]CHQVFNEDTR